The following is an entry in ClinVar:

NM_005502.4(ABCA1):c.*1923A>C

Genes: ABCA1 (ATP binding cassette subfamily A member 1; minus strand), NIPSNAP3B (nipsnap homolog 3B; plus strand). Cytogenetic location: 9q31.1.
Variant type: single nucleotide variant.
Coding change: c.*1923A>C on transcript NM_005502.4 (MANE Select); 1923 bases downstream of the stop codon, A replaced by C.
Molecular consequence: 3 prime UTR variant.
Genome position (GRCh38, 1-based): chr9:104,782,392, T>G on the plus strand (A>C on the coding strand, the complement: ABCA1 is on the minus strand). VCF-style: chr9-104782392-T-G. GRCh37 (hg19) VCF-style: chr9-107544673-T-G.
Identifiers: ClinVar variation 364338 (VCV000364338.6), dbSNP rs41437944, ClinGen allele CA10631995.

ClinVar aggregate classification (germline): Benign/Likely benign. Review status: criteria provided, multiple submitters, no conflicts (2 of 4 stars). 3 submissions from 2 submitters: Benign (1); Likely benign (2). Last evaluated 2018-01-13.

Conditions:
Hypoalphalipoproteinemia, primary, 1. Identifiers: Orphanet 425, MedGen C5231558, MONDO:0011393, OMIM 604091.
Tangier disease (TGD). Also called: HIGH DENSITY LIPOPROTEIN DEFICIENCY, TANGIER TYPE; HIGH DENSITY LIPOPROTEIN DEFICIENCY, TYPE 1; Cholesterol thesaurismosis. Identifiers: Orphanet 31150, MedGen C0039292, MONDO:0008783, OMIM 205400.

Allele frequency attached by ClinVar (database versions not stated): 1000 Genomes Project 30x 0.00656; TOPMed 0.00985; gnomAD 0.00988 and 0.00992; 1000 Genomes Project 0.00559.

Submissions (3):

Illumina Laboratory Services, Illumina
Classification: Likely benign for Tangier disease. Last evaluated: 2018-01-13. Review status: criteria provided, single submitter. Criteria: ICSL Variant Classification Criteria 13 December 2019. Collection method: clinical testing. Allele origin: germline.
Comment: This variant was observed in the ICSL laboratory as part of a predisposition screen in an ostensibly healthy population. It had not been previously curated by ICSL or reported in the Human Gene Mutation Database (HGMD: prior to June 1st, 2018), and was therefore a candidate for classification through an automated scoring system. Utilizing variant allele frequency, disease prevalence and penetrance estimates, and inheritance mode, an automated score was calculated to assess if this variant is too frequent to cause the disease. Based on the score and internal cut-off values, a variant classified as likely benign is not then subjected to further curation. The score for this variant resulted in a classification of likely benign for this disease.

Illumina Laboratory Services, Illumina
Classification: Benign for Hypoalphalipoproteinemia, primary, 1. Last evaluated: 2018-01-13. Review status: criteria provided, single submitter. Criteria: ICSL Variant Classification Criteria 13 December 2019. Collection method: clinical testing. Allele origin: germline.
Comment: This variant was observed in the ICSL laboratory as part of a predisposition screen in an ostensibly healthy population. It had not been previously curated by ICSL or reported in the Human Gene Mutation Database (HGMD: prior to June 1st, 2018), and was therefore a candidate for classification through an automated scoring system. Utilizing variant allele frequency, disease prevalence and penetrance estimates, and inheritance mode, an automated score was calculated to assess if this variant is too frequent to cause the disease. Based on the score and internal cut-off values, a variant classified as benign is not then subjected to further curation. The score for this variant resulted in a classification of benign for this disease.

Breakthrough Genomics
Classification: Likely benign. Review status: criteria provided, single submitter. Criteria: ACMG Guidelines, 2015. Collection method: not provided. Allele origin: germline. Inheritance: Autosomal recessive inheritance. Affected: yes.